The following is an entry in ClinVar:

ClinVar aggregate classification (germline): Uncertain significance. Review status: criteria provided, multiple submitters, no conflicts (2 of 4 stars). 4 submissions from 4 submitters: Uncertain significance (4). Last evaluated 2024-12-15.

Conditions:
Hereditary cancer-predisposing syndrome. Also called: Tumor predisposition; Hereditary Cancer Syndrome; Neoplastic Syndromes, Hereditary; Hereditary neoplastic syndrome. Identifiers: Orphanet 140162, MedGen C0027672, MeSH D009386, MONDO:0015356.
Ataxia-telangiectasia syndrome (AT). Also called: Cerebello-oculocutaneous telangiectasia; Immunodeficiency with ataxia telangiectasia; Ataxia-telangiectasia, complementation group D; AT, COMPLEMENTATION GROUP C; Ataxia-telangiectasia, complementation group E; LOUIS-BAR SYNDROME. Identifiers: Orphanet 100, MedGen C0004135, MONDO:0008840, OMIM 208900.

Submissions (4):

Ambry Genetics
Classification: Uncertain significance for Hereditary cancer-predisposing syndrome. Last evaluated: 2024-12-15. Review status: criteria provided, single submitter. Criteria: Ambry Variant Classification Scheme 2023. Collection method: clinical testing. Allele origin: germline.
Comment: The p.L612P variant (also known as c.1835T>C), located in coding exon 11 of the ATM gene, results from a T to C substitution at nucleotide position 1835. The leucine at codon 612 is replaced by proline, an amino acid with similar properties. This amino acid position is conserved. In addition, this alteration is predicted to be deleterious by in silico analysis. Based on the available evidence, the clinical significance of this variant remains unclear.

Color Diagnostics, LLC DBA Color Health
Classification: Uncertain significance for Hereditary cancer-predisposing syndrome. Last evaluated: 2020-12-15. Review status: criteria provided, single submitter. Criteria: ACMG Guidelines, 2015. Collection method: clinical testing. Allele origin: germline.
Comment: This missense variant replaces leucine with proline at codon 612 of the ATM protein. Computational prediction suggests that this variant may have deleterious impact on protein structure and function (internally defined REVEL score threshold >= 0.7, PMID: 27666373). To our knowledge, functional studies have not been reported for this variant. This variant has not been reported in individuals affected with hereditary cancer in the literature. This variant has not been identified in the general population by the Genome Aggregation Database (gnomAD). The available evidence is insufficient to determine the role of this variant in disease conclusively. Therefore, this variant is classified as a Variant of Uncertain Significance.

GeneDx
Classification: Uncertain significance. Last evaluated: 2020-07-08. Review status: criteria provided, single submitter. Criteria: GeneDx Variant Classification Process June 2021. Collection method: clinical testing. Allele origin: germline. Affected: yes.
Comment: Not observed in large population cohorts (Lek 2016); In silico analysis supports that this missense variant has a deleterious effect on protein structure/function; Has not been previously published as pathogenic or benign to our knowledge

Labcorp Genetics (formerly Invitae), Labcorp
Classification: Uncertain significance for Ataxia-telangiectasia syndrome. Last evaluated: 2019-11-08. Review status: criteria provided, single submitter. Criteria: Invitae Variant Classification Sherloc (09022015). Collection method: clinical testing. Allele origin: germline.
Comment: This variant is not present in population databases (ExAC no frequency). This sequence change replaces leucine with proline at codon 612 of the ATM protein (p.Leu612Pro). The leucine residue is highly conserved and there is a moderate physicochemical difference between leucine and proline. This variant has not been reported in the literature in individuals with ATM-related conditions. ClinVar contains an entry for this variant (Variation ID: 453388). Algorithms developed to predict the effect of missense changes on protein structure and function (SIFT, PolyPhen-2, Align-GVGD) all suggest that this variant is likely to be disruptive, but these predictions have not been confirmed by published functional studies and their clinical significance is uncertain. In summary, the available evidence is currently insufficient to determine the role of this variant in disease. Therefore, it has been classified as a Variant of Uncertain Significance.

NM_000051.4(ATM):c.1835T>C (p.Leu612Pro)

Gene: ATM (ATM serine/threonine kinase; plus strand). Cytogenetic location: 11q22.3.
Variant type: single nucleotide variant.
Coding change: c.1835T>C on transcript NM_000051.4 (MANE Select); coding-DNA position 1835, T replaced by C.
Protein change: p.Leu612Pro; replaces leucine 612 with proline.
Molecular consequence: missense variant.
Genome position (GRCh38, 1-based): chr11:108,252,849, T>C. VCF-style: chr11-108252849-T-C. GRCh37 (hg19) VCF-style: chr11-108123576-T-C.
Other names: c.1835T>C, p.Leu612Pro (NM_001351834.2); short protein forms L612P.
Identifiers: ClinVar variation 453388 (VCV000453388.16), dbSNP rs1555072474, ClinGen allele CA382535814.
Genomic context (GRCh38, chr11:108,252,849, plus strand): 5'-AAGTGAAGCTTTTTGTTTTTCTTTGTAGTAATTTTCCTCATCTTGTACTGGAGAAAATTC[T>C]TGTGAGTCTCACTATGAAAAACTGTAAAGCTGCAATGAATTTTTTCCAAAGCGTGCCAGA-3'
Protein context (NP_000042.3, residues 602-622): NFPHLVLEKI[Leu612Pro]VSLTMKNCKA